The following is an entry in ClinVar:

ClinVar aggregate classification (germline): Uncertain significance (1 of 4 stars; one submission).

Conditions:
Thrombophilia due to activated protein C resistance (THPH2). Also called: APC resistance; Activated protein C resistance; Hereditary Resistance to Activated Protein C; PCCF DEFICIENCY; PROC COFACTOR DEFICIENCY; THROMBOPHILIA DUE TO DEFICIENCY OF ACTIVATED PROTEIN C COFACTOR. Identifiers: MedGen C1861171, MONDO:0008560, OMIM 188055. Disease mechanism: loss of function, gain of function.

Allele frequency attached by ClinVar (database versions not stated): gnomAD exomes 0.00002.

Submission:

ISTH-SSC Genomics in Thrombosis and Hemostasis, KU Leuven, Center for Molecular and Vascular Biology
Classification: Uncertain significance for Thrombophilia due to activated protein C resistance. Review status: criteria provided, single submitter. Criteria: ACMG Guidelines, 2015. Collection method: clinical testing. Allele origin: germline. Affected: yes. Observed: 1 heterozygote.
Comment: Submitted to GoldVariant by Kathleen Freson, Center for Molecular and Vascular Biology, Leuven, Belgium

NM_000130.5(F5):c.1777G>T (p.Val593Leu)

Gene: F5 (coagulation factor V; minus strand). Cytogenetic location: 1q24.2.
Variant type: single nucleotide variant.
Coding change: c.1777G>T on transcript NM_000130.5 (MANE Select); coding-DNA position 1777, G replaced by T.
Protein change: p.Val593Leu; replaces valine 593 with leucine.
Molecular consequence: missense variant.
Genome position (GRCh38, 1-based): chr1:169,544,494, C>A on the plus strand (G>T on the coding strand, the complement: F5 is on the minus strand). VCF-style: chr1-169544494-C-A. GRCh37 (hg19) VCF-style: chr1-169513732-C-A.
Other names: short protein forms V593L.
Identifiers: ClinVar variation 1703831 (VCV001703831.1), dbSNP rs1051217891, ClinGen allele CA32386072.